The following is an entry in ClinVar:

NM_007194.4(CHEK2):c.170C>A (p.Ser57Tyr)

Gene: CHEK2 (checkpoint kinase 2; minus strand). Cytogenetic location: 22q12.1.
Variant type: single nucleotide variant.
Coding change: c.170C>A on transcript NM_007194.4 (MANE Select); coding-DNA position 170, C replaced by A.
Protein change: p.Ser57Tyr; replaces serine 57 with tyrosine.
Molecular consequence: missense variant.
Genome position (GRCh38, 1-based): chr22:28,734,552, G>T on the plus strand (C>A on the coding strand, the complement: CHEK2 is on the minus strand). VCF-style: chr22-28734552-G-T. GRCh37 (hg19) VCF-style: chr22-29130540-G-T.
Other names: c.170C>A, p.Ser57Tyr (NM_001005735.3, NM_001349956.3, NM_145862.3); c.-608C>A (NM_001257387.3); short protein forms S57Y.
Identifiers: ClinVar variation 1432695 (VCV001432695.7), dbSNP rs730881695, ClinGen allele CA411090918.
Genomic context (GRCh38, chr22:28,734,552, plus strand): 5'-TCCTCAGGAATAGAATAGAGTTCCTGAGTGGACACTGTCTCTAAGGAGCTCAGTGTCCCA[G>T]AGCTGGAGTGAGAGGACTGGCTGGAGTTTGGCATCGTGCTGGTAGAGGAGCTGGATATGC-3'
Protein context (NP_009125.1, residues 47-67): PNSSQSSHSS[Ser57Tyr]GTLSSLETVS

ClinVar aggregate classification (germline): Uncertain significance (1 of 4 stars; one submission).

Conditions:
Familial cancer of breast. Also called: BREAST CANCER, FAMILIAL; Hereditary breast cancer; hereditary breast carcinoma. Identifiers: Orphanet 227535, MedGen C0346153, MONDO:0016419, OMIM 114480. Disease mechanism: loss of function.

Submission:

Labcorp Genetics (formerly Invitae), Labcorp
Classification: Uncertain significance for Familial cancer of breast. Last evaluated: 2021-07-01. Review status: criteria provided, single submitter. Criteria: Invitae Variant Classification Sherloc (09022015). Collection method: clinical testing. Allele origin: germline.
Comment: This sequence change replaces serine with tyrosine at codon 57 of the CHEK2 protein (p.Ser57Tyr). The serine residue is highly conserved and there is a large physicochemical difference between serine and tyrosine. This variant is not present in population databases (ExAC no frequency). This variant has not been reported in the literature in individuals affected with CHEK2-related conditions. Algorithms developed to predict the effect of missense changes on protein structure and function are either unavailable or do not agree on the potential impact of this missense change (SIFT: "Deleterious"; PolyPhen-2: "Probably Damaging"; Align-GVGD: "Class C15"). In summary, the available evidence is currently insufficient to determine the role of this variant in disease. Therefore, it has been classified as a Variant of Uncertain Significance.